The following is an entry in ClinVar:

NM_004082.5(DCTN1):c.1649C>T (p.Pro550Leu)

Gene: DCTN1 (dynactin subunit 1; minus strand). Cytogenetic location: 2p13.1.
Variant type: single nucleotide variant.
Coding change: c.1649C>T on transcript NM_004082.5 (MANE Select); coding-DNA position 1649, C replaced by T.
Protein change: p.Pro550Leu; replaces proline 550 with leucine.
Molecular consequence: missense variant. On other transcripts: non-coding transcript variant (1).
Genome position (GRCh38, 1-based): chr2:74,369,150, G>A on the plus strand (C>T on the coding strand, the complement: DCTN1 is on the minus strand). VCF-style: chr2-74369150-G-A. GRCh37 (hg19) VCF-style: chr2-74596277-G-A.
Other names: c.1589C>T, p.Pro530Leu (NM_001135040.3); c.1247C>T, p.Pro416Leu (NM_001135041.3, NM_023019.4); c.1538C>T, p.Pro513Leu (NM_001190836.2); c.1628C>T, p.Pro543Leu (NM_001190837.2); c.1598C>T, p.Pro533Leu (NM_001378991.1); c.1580C>T, p.Pro527Leu (NM_001378992.1); short protein forms P527L, P530L, P533L, P550L, P513L, P543L, P416L.
Identifiers: ClinVar variation 1513247 (VCV001513247.6), dbSNP rs2103644049, ClinGen allele CA347356913.

ClinVar aggregate classification (germline): Uncertain significance (1 of 4 stars; one submission).

Conditions:
Amyotrophic lateral sclerosis type 1 (ALS1). Also called: AMYOTROPHIC LATERAL SCLEROSIS 1, FAMILIAL. Identifiers: Orphanet 803, MedGen C1862939, MONDO:0007103, OMIM 105400.
Perry syndrome. Also called: PARKINSONISM WITH ALVEOLAR HYPOVENTILATION AND MENTAL DEPRESSION. Identifiers: Orphanet 178509, MedGen C1868594, MONDO:0008201, OMIM 168605.
Neuronopathy, distal hereditary motor, type 7B. Also called: Distal Hereditary Motor Neuronopathy Type 7B (dHMN7B); HMN VIIB; LOWER MOTOR NEURON DISEASE, DYNACTIN TYPE; NEURONOPATHY, DISTAL HEREDITARY MOTOR, AUTOSOMAL DOMINANT 14; NEURONOPATHY, DISTAL HEREDITARY MOTOR, HARDING TYPE VIIB; NEUROPATHY, DISTAL HEREDITARY MOTOR, HARDING TYPE VIIB. Identifiers: Orphanet 139589, MedGen C1843315, MONDO:0011879, OMIM 607641.

gnomAD v4.1: 1 of 1,614,280 alleles (0.000062%); no homozygotes.

Submission:

Labcorp Genetics (formerly Invitae), Labcorp
Classification: Uncertain significance for Amyotrophic lateral sclerosis type 1; Neuronopathy, distal hereditary motor, type 7B; Perry syndrome. Last evaluated: 2024-10-22. Review status: criteria provided, single submitter. Criteria: Invitae Variant Classification Sherloc (09022015). Collection method: clinical testing. Allele origin: germline.
Comment: This sequence change replaces proline, which is neutral and non-polar, with leucine, which is neutral and non-polar, at codon 550 of the DCTN1 protein (p.Pro550Leu). This variant is not present in population databases (gnomAD no frequency). This variant has not been reported in the literature in individuals affected with DCTN1-related conditions. ClinVar contains an entry for this variant (Variation ID: 1513247). Invitae Evidence Modeling of protein sequence and biophysical properties (such as structural, functional, and spatial information, amino acid conservation, physicochemical variation, residue mobility, and thermodynamic stability) indicates that this missense variant is not expected to disrupt DCTN1 protein function with a negative predictive value of 95%. In summary, the available evidence is currently insufficient to determine the role of this variant in disease. Therefore, it has been classified as a Variant of Uncertain Significance.